The following is an entry in ClinVar:

NM_012193.4(FZD4):c.1573G>T (p.Gly525Cys)

Genes: FZD4 (frizzled class receptor 4; minus strand), PRSS23 (serine protease 23; plus strand). Cytogenetic location: 11q14.2.
Variant type: single nucleotide variant.
Coding change: c.1573G>T on transcript NM_012193.4 (MANE Select); coding-DNA position 1573, G replaced by T.
Protein change: p.Gly525Cys; replaces glycine 525 with cysteine.
Molecular consequence: missense variant.
Genome position (GRCh38, 1-based): chr11:86,951,183, C>A on the plus strand (G>T on the coding strand, the complement: FZD4 is on the minus strand). VCF-style: chr11-86951183-C-A. GRCh37 (hg19) VCF-style: chr11-86662225-C-A.
Other names: short protein forms G525C.
Identifiers: ClinVar variation 2714002 (VCV002714002.3), dbSNP rs763843440, ClinGen allele CA382010868.
Genomic context (GRCh38, chr11:86,951,183, plus strand): 5'-GCATGGAGGCTGACTAGCCTTATACCACAGTCTCACTGCCTTTTCCAGGCTTCACCCAAC[C>A]ATTTCCTCTCTTCTCTCTCTTTACCTTTCCAGAATTCACCAATCTGTTGGAACACTTCTG-3'
Protein context (NP_036325.2, residues 515-535): GKVKREKRGN[Gly525Cys]WVKPGKGSET

ClinVar aggregate classification (germline): Uncertain significance (1 of 4 stars; one submission).

gnomAD v4.1: 1 of 1,614,054 alleles (0.000062%); highest among the groups gnomAD compares: African/African-American, 0.0013%; no homozygotes.

Submission:

Labcorp Genetics (formerly Invitae), Labcorp
Classification: Uncertain significance. Last evaluated: 2024-01-29. Review status: criteria provided, single submitter. Criteria: Invitae Variant Classification Sherloc (09022015). Collection method: clinical testing. Allele origin: germline.
Comment: This sequence change replaces glycine, which is neutral and non-polar, with cysteine, which is neutral and slightly polar, at codon 525 of the FZD4 protein (p.Gly525Cys). This variant is not present in population databases (gnomAD no frequency). This variant has not been reported in the literature in individuals affected with FZD4-related conditions. Advanced modeling of protein sequence and biophysical properties (such as structural, functional, and spatial information, amino acid conservation, physicochemical variation, residue mobility, and thermodynamic stability) performed at Invitae indicates that this missense variant is not expected to disrupt FZD4 protein function with a negative predictive value of 80%. In summary, the available evidence is currently insufficient to determine the role of this variant in disease. Therefore, it has been classified as a Variant of Uncertain Significance.